The following is an entry in ClinVar:

NM_015726.4(DCAF8):c.1656G>A (p.Leu552=)

Gene: DCAF8 (DDB1 and CUL4 associated factor 8; minus strand). Cytogenetic location: 1q23.2.
Variant type: single nucleotide variant.
Coding change: c.1656G>A on transcript NM_015726.4 (MANE Select); coding-DNA position 1656, G replaced by A.
Protein change: p.Leu552=; no amino-acid change (leucine 552 retained).
Molecular consequence: synonymous variant. On other transcripts: non-coding transcript variant (2).
Genome position (GRCh38, 1-based): chr1:160,218,345, C>T on the plus strand (G>A on the coding strand, the complement: DCAF8 is on the minus strand). VCF-style: chr1-160218345-C-T. GRCh37 (hg19) VCF-style: chr1-160188135-C-T.
Identifiers: ClinVar variation 4981687 (VCV004981687.1).

ClinVar aggregate classification (germline): Likely benign (1 of 4 stars; one submission).

Conditions:
DCAF8-related disorder. Also called: DCAF8-related condition.

gnomAD v4.1: 31 of 1,614,080 alleles (0.0019%); highest among the groups gnomAD compares: African/African-American, 0.031%; no homozygotes.

Submission:

PreventionGenetics, part of Exact Sciences
Classification: Likely benign for DCAF8-related condition. Last evaluated: 2026-09-04. Review status: criteria provided, single submitter. Criteria: ACMG Guidelines, 2015. Collection method: clinical testing. Allele origin: germline.
Comment: This variant is classified as likely benign based on ACMG/AMP sequence variant interpretation guidelines (Richards et al. 2015 PMID: 25741868, with internal and published modifications).